The following is an entry in ClinVar:

ClinVar aggregate classification (germline): Likely benign (1 of 4 stars; one submission).

Submissions (2):

Laboratory for Molecular Medicine, Mass General Brigham Personalized Medicine
Classification: Likely benign. Last evaluated: 2014-03-04. Review status: criteria provided, single submitter. Criteria: LMM Criteria. Collection method: clinical testing. Allele origin: germline. Observed: 1 variant allele.
Comment: Thr6Thr in exon 3 of KCNE1: This variant is not expected to have clinical signif icance because it does not alter an amino acid residue and is not located within the splice consensus sequence.

Roden Lab, Vanderbilt University Medical Center
No classification provided (evidence only). Condition: Long QT syndrome 5. Review status: no classification provided. Collection method: in vitro. Allele origin: not applicable. Functional consequence: Effect on ion channel function. Not counted in ClinVar's aggregate classification.
ClinVar note: "not provided" was previously submitted as the classification for the variant. However, the classification appeared to be based only on an observation of functional data so it was converted to no classification on 2025-07-30.

NM_000219.6(KCNE1):c.18C>G (p.Thr6=)

Gene: KCNE1 (potassium voltage-gated channel subfamily E regulatory subunit 1; minus strand). Cytogenetic location: 21q22.12.
Variant type: single nucleotide variant.
Coding change: c.18C>G on transcript NM_000219.6 (MANE Select); coding-DNA position 18, C replaced by G.
Protein change: p.Thr6=; no amino-acid change (threonine 6 retained).
Molecular consequence: synonymous variant.
Genome position (GRCh38, 1-based): chr21:34,449,617, G>C on the plus strand (C>G on the coding strand, the complement: KCNE1 is on the minus strand). VCF-style: chr21-34449617-G-C. GRCh37 (hg19) VCF-style: chr21-35821915-G-C.
Other names: c.18C>G, p.Thr6= (NM_001127668.4, NM_001127669.4, NM_001127670.4 and 4 more transcripts).
Identifiers: ClinVar variation 163731 (VCV000163731.6), dbSNP rs727503102, ClinGen allele CA176434.
Genomic context (GRCh38, chr21:34,449,617, plus strand): 5'-GTTGCCACCCTGCTGAACTGTCTCCTGCCACAGCTTGGTCAGAAAGGGCGTCACCGCTGT[G>C]GTGTTAGACAGGATCATCCTGGGCATTAAGGTTCCACTGCTGCAGCTCAAACTTCCCAGG-3'
Protein context (NP_000210.2, residues 1-16): MILSN[Thr6=]TAVTPFLTKL